The following is an entry in ClinVar:

NM_005051.3(QARS1):c.1671G>T (p.Val557=)

Gene: QARS1 (glutaminyl-tRNA synthetase 1; minus strand). Cytogenetic location: 3p21.31.
Variant type: single nucleotide variant.
Coding change: c.1671G>T on transcript NM_005051.3 (MANE Select); coding-DNA position 1671, G replaced by T.
Protein change: p.Val557=; no amino-acid change (valine 557 retained).
Molecular consequence: synonymous variant. On other transcripts: non-coding transcript variant (1).
Genome position (GRCh38, 1-based): chr3:49,099,197, C>A on the plus strand (G>T on the coding strand, the complement: QARS1 is on the minus strand). VCF-style: chr3-49099197-C-A. GRCh37 (hg19) VCF-style: chr3-49136630-C-A.
Other names: c.1638G>T, p.Val546= (NM_001272073.2).
Identifiers: ClinVar variation 382681 (VCV000382681.14), dbSNP rs115671018, ClinGen allele CA2391678.

ClinVar aggregate classification (germline): Benign/Likely benign. Review status: criteria provided, multiple submitters, no conflicts (2 of 4 stars). 5 submissions from 5 submitters: Benign (1); Likely benign (4). Last evaluated 2026-01-28.

Conditions:
Diffuse cerebral and cerebellar atrophy - intractable seizures - progressive microcephaly syndrome. Also called: Microcephaly, progressive, with seizures and cerebral and cerebellar atrophy. Identifiers: Orphanet 404437, MedGen C4014239, MONDO:0014335, OMIM 615760.

Allele frequency attached by ClinVar (database versions not stated): 1000 Genomes Project 30x 0.00234; 1000 Genomes Project 0.00240; ESP Exome Variant Server 0.00284; TOPMed 0.00327; gnomAD 0.00334.
gnomAD v4.1: 866 of 1,614,210 alleles (0.054%); highest among the groups gnomAD compares: African/African-American, 1.1%; 6 homozygotes.

Submissions (5):

Labcorp Genetics (formerly Invitae), Labcorp
Classification: Benign for Diffuse cerebral and cerebellar atrophy - intractable seizures - progressive microcephaly syndrome. Last evaluated: 2026-01-28. Review status: criteria provided, single submitter. Criteria: Invitae Variant Classification Sherloc (09022015). Collection method: clinical testing. Allele origin: germline.

Blueprint Genetics
Classification: Likely benign. Last evaluated: 2024-11-11. Review status: criteria provided, single submitter. Criteria: ACMG Guidelines, 2015. Collection method: clinical testing. Allele origin: germline.

GeneDx
Classification: Likely benign. Last evaluated: 2017-09-22. Review status: criteria provided, single submitter. Criteria: GeneDx Variant Classification (06012015). Collection method: clinical testing. Allele origin: germline. Affected: yes.
Comment: This variant is considered likely benign or benign based on one or more of the following criteria: it is a conservative change, it occurs at a poorly conserved position in the protein, it is predicted to be benign by multiple in silico algorithms, and/or has population frequency not consistent with disease.

Genetic Services Laboratory, University of Chicago
Classification: Likely benign. Last evaluated: 2016-10-13. Review status: criteria provided, single submitter. Criteria: ACMG Guidelines, 2015. Collection method: clinical testing. Allele origin: germline. Affected: no.

Breakthrough Genomics
Classification: Likely benign. Review status: criteria provided, single submitter. Criteria: ACMG Guidelines, 2015. Collection method: not provided. Allele origin: germline. Inheritance: Autosomal recessive inheritance. Affected: yes.